The following is an entry in ClinVar:

NM_003361.4(UMOD):c.610C>G (p.Arg204Gly)

Gene: UMOD (uromodulin; minus strand). Cytogenetic location: 16p12.3.
Variant type: single nucleotide variant.
Coding change: c.610C>G on transcript NM_003361.4 (MANE Select); coding-DNA position 610, C replaced by G.
Protein change: p.Arg204Gly; replaces arginine 204 with glycine.
Molecular consequence: missense variant. On other transcripts: non-coding transcript variant (1).
Genome position (GRCh38, 1-based): chr16:20,348,691, G>C on the plus strand (C>G on the coding strand, the complement: UMOD is on the minus strand). VCF-style: chr16-20348691-G-C. GRCh37 (hg19) VCF-style: chr16-20360013-G-C.
Other names: c.610C>G, p.Arg204Gly (NM_001008389.3, NM_001378232.1, NM_001378233.1 and 3 more transcripts); c.709C>G, p.Arg237Gly (NM_001278614.2); short protein forms R204G, R237G.
Identifiers: ClinVar variation 586923 (VCV000586923.4), dbSNP rs1567310019, ClinGen allele CA394985329.

ClinVar aggregate classification (germline): Pathogenic/Likely pathogenic. Review status: criteria provided, multiple submitters, no conflicts (2 of 4 stars). 3 submissions from 3 submitters: Pathogenic (1); Likely pathogenic (2). Last evaluated 2022-03-15.

Conditions:
Familial juvenile hyperuricemic nephropathy type 1 (ADTKD1). Also called: Autosomal Dominant Tubulointerstitial Kidney Disease – UMOD; UMOD-Associated Kidney Disease; Uromodulin-associated kidney disease; Glomerulocystic kidney disease with hyperuricemia and isosthenuria; Medullary cystic kidney disease 2. Identifiers: Orphanet 209886, Orphanet 34149, Orphanet 88950, MedGen C4551496, MONDO:0008073, OMIM 162000.

Submissions (3):

GeneDx
Classification: Likely pathogenic. Last evaluated: 2022-03-15. Review status: criteria provided, single submitter. Criteria: GeneDx Variant Classification Process June 2021. Collection method: clinical testing. Allele origin: germline. Affected: yes.
Comment: Published functional studies demonstrate altered protein trafficking with ER retention and reduce cell surface expression (Bernascone et al., 2006); Not observed at significant frequency in large population cohorts (gnomAD); In silico analysis supports that this missense variant has a deleterious effect on protein structure/function; This variant is associated with the following publications: (PMID: 17010121, 14569098, 32450155, 25786455, 21868615)

Fulgent Genetics
Classification: Likely pathogenic for Familial juvenile hyperuricemic nephropathy type 1. Last evaluated: 2021-07-07. Review status: criteria provided, single submitter. Criteria: ACMG Guidelines, 2015. Collection method: clinical testing. Allele origin: unknown.

Athena Diagnostics
Classification: Pathogenic. Last evaluated: 2018-02-02. Review status: criteria provided, single submitter. Criteria: Athena Diagnostics Criteria. Collection method: clinical testing. Allele origin: germline.

Literature cited by the submitters: PubMed 17010121 (cited by Athena Diagnostics); PubMed 21868615 (cited by Athena Diagnostics); PubMed 14569098 (cited by Athena Diagnostics).